The following is an entry in ClinVar:

ClinVar aggregate classification (germline): Uncertain significance (1 of 4 stars; one submission).

Conditions:
KMT2A-related disorder. Also called: KMT2A-related condition.

gnomAD v4.1: 1 of 1,614,174 alleles (0.000062%); no homozygotes.

Submission:

PreventionGenetics, part of Exact Sciences
Classification: Uncertain significance for KMT2A-related condition. Last evaluated: 2023-07-16. Review status: criteria provided, single submitter. Criteria: ACMG Guidelines, 2015. Collection method: clinical testing. Allele origin: germline.
Comment: The KMT2A c.3797C>T variant is predicted to result in the amino acid substitution p.Pro1266Leu. To our knowledge, this variant has not been reported in the literature or in a large population database, indicating this variant is rare. At this time, the clinical significance of this variant is uncertain due to the absence of conclusive functional and genetic evidence.

NM_001197104.2(KMT2A):c.3797C>T (p.Pro1266Leu)

Gene: KMT2A (lysine methyltransferase 2A; plus strand). Cytogenetic location: 11q23.3.
Variant type: single nucleotide variant.
Coding change: c.3797C>T on transcript NM_001197104.2 (MANE Select); coding-DNA position 3797, C replaced by T.
Protein change: p.Pro1266Leu; replaces proline 1266 with leucine.
Molecular consequence: missense variant.
Genome position (GRCh38, 1-based): chr11:118,481,877, C>T. VCF-style: chr11-118481877-C-T. GRCh37 (hg19) VCF-style: chr11-118352592-C-T.
Other names: c.3896C>T, p.Pro1299Leu (NM_001412597.1); c.3797C>T, p.Pro1266Leu (NM_005933.4); short protein forms P1266L, P1299L.
Identifiers: ClinVar variation 2631285 (VCV002631285.1), dbSNP rs970901865, ClinGen allele CA382827972.